The following is an entry in ClinVar:

NM_001080421.3(UNC13A):c.3082-7A>G

Gene: UNC13A (unc-13 homolog A; minus strand). Cytogenetic location: 19p13.11.
Variant type: single nucleotide variant.
Coding change: c.3082-7A>G on transcript NM_001080421.3 (MANE Select); 7 bases into the intron before coding-DNA position 3082, A replaced by G.
Molecular consequence: intron variant.
Genome position (GRCh38, 1-based): chr19:17,636,164, T>C on the plus strand (A>G on the coding strand, the complement: UNC13A is on the minus strand). VCF-style: chr19-17636164-T-C. GRCh37 (hg19) VCF-style: chr19-17746973-T-C.
Other names: c.3076-7A>G (NM_001387022.1, NM_001387023.1, NM_001387021.1).
Identifiers: ClinVar variation 4999462 (VCV004999462.1).

ClinVar aggregate classification (germline): Likely benign (1 of 4 stars; one submission).

Conditions:
UNC13A-related disorder. Also called: UNC13A-related condition.

gnomAD v4.1: 1 of 1,590,350 alleles (0.000063%); highest among the groups gnomAD compares: Non-Finnish European, 0.000086%; no homozygotes.

Submission:

PreventionGenetics, part of Exact Sciences
Classification: Likely benign for UNC13A-related condition. Last evaluated: 2026-06-30. Review status: criteria provided, single submitter. Criteria: ACMG Guidelines, 2015. Collection method: clinical testing. Allele origin: germline.
Comment: This variant is classified as likely benign based on ACMG/AMP sequence variant interpretation guidelines (Richards et al. 2015 PMID: 25741868, with internal and published modifications).